The following is an entry in ClinVar:

ClinVar aggregate classification (germline): Benign/Likely benign. Review status: criteria provided, multiple submitters, no conflicts (2 of 4 stars). 3 submissions from 3 submitters: Benign (1); Likely benign (1). 1 of the submissions does not count toward it. Last evaluated 2026-01-16.

Conditions:
SKIC3-related disorder. Also called: SKIC3-related condition.

Submissions (4):

Labcorp Genetics (formerly Invitae), Labcorp
Classification: Benign. Last evaluated: 2026-01-16. Review status: criteria provided, single submitter. Criteria: Invitae Variant Classification Sherloc (09022015). Collection method: clinical testing. Allele origin: germline.

ARUP Laboratories, Molecular Genetics and Genomics, ARUP Laboratories
Classification: Likely benign. Last evaluated: 2024-09-24. Review status: criteria provided, single submitter. Criteria: ARUP Molecular Germline Variant Investigation Process 2024. Collection method: clinical testing. Allele origin: germline.

PreventionGenetics, part of Exact Sciences
Classification: Likely benign for SKIC3-related condition. Last evaluated: 2019-03-20. Review status: no assertion criteria provided. Collection method: clinical testing. Allele origin: germline. Not counted in ClinVar's aggregate classification.
Comment: This variant is classified as likely benign based on ACMG/AMP sequence variant interpretation guidelines (Richards et al. 2015 PMID: 25741868, with internal and published modifications).

Dr. Peter K. Rogan Lab, Western University
No classification provided (evidence only). Condition: Hepatocellular carcinoma. Review status: no classification provided. Collection method: in vitro. Allele origin: not applicable. Functional consequence: skipped exon, retained intron. Not counted in ClinVar's aggregate classification.

NM_014639.4(SKIC3):c.2437-4del

Gene: SKIC3 (SKI3 subunit of superkiller complex; minus strand). Cytogenetic location: 5q15.
Variant type: Deletion.
Coding change: c.2437-4del on transcript NM_014639.4 (MANE Select); 4 bases into the intron before coding-DNA position 2437, one base deleted (T; older notation c.2437-4delT).
Molecular consequence: intron variant.
Genome position (GRCh38, 1-based): chr5:95,516,754, A deleted on the plus strand (T on the coding strand, the reverse complement: SKIC3 is on the minus strand); the first of 4 consecutive A bases (chr5:95,516,754-95,516,757); deleting any one gives the same sequence. VCF-style (leftmost placement, unchanged base first): chr5-95516753-GA-G. GRCh37 (hg19) VCF-style: chr5-94852457-GA-G.
Other names: c.2437-7del (NM_014639.4).
Identifiers: ClinVar variation 1601315 (VCV001601315.13), dbSNP rs772531470, ClinGen allele CA3347079.